The following is an entry in ClinVar:

NM_000531.6(OTC):c.217-14T>C

Gene: OTC (ornithine transcarbamylase; plus strand). Cytogenetic location: Xp11.4.
Variant type: single nucleotide variant.
Coding change: c.217-14T>C on transcript NM_000531.6 (MANE Select); 14 bases into the intron before coding-DNA position 217, T replaced by C.
Molecular consequence: intron variant.
Genome position (GRCh38, 1-based): chrX:38,369,782, T>C. VCF-style: chrX-38369782-T-C. GRCh37 (hg19) VCF-style: chrX-38229035-T-C.
Other names: c.217-14T>C (NM_001407092.1).
Identifiers: ClinVar variation 3071154 (VCV003071154.1), dbSNP rs2519952303, ClinGen allele CA2825002940.

ClinVar aggregate classification (germline): Likely benign (1 of 4 stars; one submission).

Conditions:
Ornithine carbamoyltransferase deficiency (OTCD). Also called: ORNITHINE TRANSCARBAMYLASE DEFICIENCY; ORNITHINE TRANSCARBAMYLASE DEFICIENCY, HYPERAMMONEMIA DUE TO; OTC DEFICIENCY; Ornithine Carbamoyltransferase Deficiency Disease. Identifiers: Orphanet 664, MedGen C0268542, MONDO:0010703, OMIM 311250.

Submission:

All of Us Research Program, National Institutes of Health
Classification: Likely benign for Ornithine carbamoyltransferase deficiency. Last evaluated: 2023-05-16. Review status: criteria provided, single submitter. Criteria: ACMG Guidelines, 2015. Collection method: clinical testing. Allele origin: germline. Inheritance: X-linked inheritance. Observed: 1 variant allele, 1 heterozygote.
Comment: This study involves interpretation of variants in research participants for the purpose of population health screening. Participant phenotype was not available at the time of variant classification. Additional details can be found in publication PMID: 35346344, PMCID: PMC8962531